The following is an entry in ClinVar:

NM_001114633.2(PLA2G4B):c.982G>A (p.Val328Ile)

Genes: JMJD7-PLA2G4B (JMJD7-PLA2G4B readthrough; plus strand), PLA2G4B (phospholipase A2 group IVB; plus strand). Cytogenetic location: 15q15.1.
Variant type: single nucleotide variant.
Coding change: c.982G>A on transcript NM_001114633.2 (MANE Select); coding-DNA position 982, G replaced by A.
Protein change: p.Val328Ile; replaces valine 328 with isoleucine.
Molecular consequence: missense variant.
Genome position (GRCh38, 1-based): chr15:41,844,573, G>A. VCF-style: chr15-41844573-G-A. GRCh37 (hg19) VCF-style: chr15-42136771-G-A.
Other names: c.1675G>A, p.Val559Ile (NM_001198588.2, NM_005090.4); short protein forms V328I, V559I.
Identifiers: ClinVar variation 3043749 (VCV003043749.2), dbSNP rs41277690, ClinGen allele CA7499885.

ClinVar aggregate classification (germline): Likely benign (0 of 4 stars; one submission).

Conditions:
PLA2G4B-related disorder. Also called: PLA2G4B-related condition.

Allele frequency attached by ClinVar (database versions not stated): ESP Exome Variant Server 0.00154; 1000 Genomes Project 0.00280; 1000 Genomes Project 30x 0.00297.

Submission:

PreventionGenetics, part of Exact Sciences
Classification: Likely benign for PLA2G4B-related condition. Last evaluated: 2019-02-22. Review status: no assertion criteria provided. Collection method: clinical testing. Allele origin: germline.
Comment: This variant is classified as likely benign based on ACMG/AMP sequence variant interpretation guidelines (Richards et al. 2015 PMID: 25741868, with internal and published modifications).